The following is an entry in ClinVar:

ClinVar aggregate classification (germline): Benign/Likely benign. Review status: criteria provided, multiple submitters, no conflicts (2 of 4 stars). 8 submissions from 8 submitters: Benign (3); Likely benign (4). 1 of the submissions does not count toward it. Last evaluated 2026-02-03.

Conditions:
Cardiovascular phenotype. Identifiers: MedGen CN230736.
GATA4-related disorder. Also called: GATA4-related condition. Identifiers: MedGen CN860321.
Atrioventricular septal defect 4 (AVSD4). Identifiers: MedGen C3280781, MONDO:0013747, OMIM 614430.

Allele frequency attached by ClinVar (database versions not stated): gnomAD exomes 0.00014 and 0.00034; ExAC 0.00045; gnomAD 0.00139 and 0.00148; ESP Exome Variant Server 0.00154; TOPMed 0.00175; 1000 Genomes Project 0.00180; 1000 Genomes Project 30x 0.00203.
gnomAD v4.1: 421 of 1,614,236 alleles (0.026%); highest among the groups gnomAD compares: African/African-American, 0.48%; 1 homozygote.

Submissions (8):

Labcorp Genetics (formerly Invitae), Labcorp
Classification: Benign for Atrioventricular septal defect 4. Last evaluated: 2026-02-03. Review status: criteria provided, single submitter. Criteria: Invitae Variant Classification Sherloc (09022015). Collection method: clinical testing. Allele origin: germline.

ARUP Laboratories, Molecular Genetics and Genomics, ARUP Laboratories
Classification: Benign. Last evaluated: 2025-03-03. Review status: criteria provided, single submitter. Criteria: ARUP Molecular Germline Variant Investigation Process 2024. Collection method: clinical testing. Allele origin: germline.

Blueprint Genetics
Classification: Likely benign. Last evaluated: 2024-02-16. Review status: criteria provided, single submitter. Criteria: ACMG Guidelines, 2015. Collection method: clinical testing. Allele origin: germline.

GeneDx
Classification: Likely benign. Last evaluated: 2021-10-28. Review status: criteria provided, single submitter. Criteria: GeneDx Variant Classification Process June 2021. Collection method: clinical testing. Allele origin: germline. Affected: yes.
Comment: This variant is associated with the following publications: (PMID: 17352393)

Ambry Genetics
Classification: Likely benign for Cardiovascular phenotype. Last evaluated: 2015-10-23. Review status: criteria provided, single submitter. Criteria: Ambry Variant Classification Scheme 2023. Collection method: clinical testing. Allele origin: germline.

Laboratory for Molecular Medicine, Mass General Brigham Personalized Medicine
Classification: Benign. Last evaluated: 2013-02-25. Review status: criteria provided, single submitter. Criteria: LMM Criteria. Collection method: clinical testing. Allele origin: germline. Observed: 1 variant allele.
Comment: proposed classification - variant undergoing re-assessment, contact laboratory

Breakthrough Genomics
Classification: Likely benign. Review status: criteria provided, single submitter. Criteria: ACMG Guidelines, 2015. Collection method: not provided. Allele origin: germline. Inheritance: Autosomal dominant inheritance. Affected: yes.

PreventionGenetics, part of Exact Sciences
Classification: Likely benign for GATA4-related condition. Last evaluated: 2019-04-25. Review status: no assertion criteria provided. Collection method: clinical testing. Allele origin: germline. Not counted in ClinVar's aggregate classification.
Comment: This variant is classified as likely benign based on ACMG/AMP sequence variant interpretation guidelines (Richards et al. 2015 PMID: 25741868, with internal and published modifications).

Literature cited by the submitters: PubMed 17352393 (cited by Laboratory for Molecular Medicine, Mass General Brigham Personalized Medicine).

NM_001308093.3(GATA4):c.735C>T (p.Tyr245=)

Gene: GATA4 (GATA binding protein 4). Cytogenetic location: 8p23.1.
Variant type: single nucleotide variant.
Coding change: c.735C>T on transcript NM_001308093.3 (MANE Select); coding-DNA position 735, C replaced by T.
Protein change: p.Tyr245=; no amino-acid change (tyrosine 245 retained).
Molecular consequence: synonymous variant.
Genome position (GRCh38, 1-based): chr8:11,749,034, C>T. VCF-style: chr8-11749034-C-T. GRCh37 (hg19) VCF-style: chr8-11606543-C-T.
Other names: c.114C>T, p.Tyr38= (NM_001308094.2, NM_001374273.1, NM_001374274.1); c.732C>T, p.Tyr244= (NM_002052.5); c.732C>T (NM_002052.4).
Identifiers: ClinVar variation 178691 (VCV000178691.30), dbSNP rs146696080, ClinGen allele CA182795.